The following is an entry in ClinVar:

NM_032043.3(BRIP1):c.3279C>G (p.Leu1093=)

Gene: BRIP1 (BRCA1 interacting DNA helicase 1; minus strand). Cytogenetic location: 17q23.2.
Variant type: single nucleotide variant.
Coding change: c.3279C>G on transcript NM_032043.3 (MANE Select); coding-DNA position 3279, C replaced by G.
Protein change: p.Leu1093=; no amino-acid change (leucine 1093 retained).
Molecular consequence: synonymous variant.
Genome position (GRCh38, 1-based): chr17:61,683,767, G>C on the plus strand (C>G on the coding strand, the complement: BRIP1 is on the minus strand). VCF-style: chr17-61683767-G-C. GRCh37 (hg19) VCF-style: chr17-59761128-G-C.
Identifiers: ClinVar variation 483216 (VCV000483216.17), dbSNP rs1555572722, ClinGen allele CA501335183.

ClinVar aggregate classification (germline): Benign/Likely benign. Review status: criteria provided, multiple submitters, no conflicts (2 of 4 stars). 3 submissions from 3 submitters: Benign (1); Likely benign (2). Last evaluated 2024-10-21.

Conditions:
Hereditary cancer-predisposing syndrome. Also called: Hereditary neoplastic syndrome; Neoplastic Syndromes, Hereditary; Tumor predisposition; Hereditary Cancer Syndrome. Identifiers: Orphanet 140162, MedGen C0027672, MeSH D009386, MONDO:0015356.
Fanconi anemia complementation group J. Also called: BRIP1-Related Fanconi Anemia. Identifiers: Orphanet 84, MedGen C1836860, MONDO:0012187, OMIM 609054.
Familial cancer of breast. Also called: BREAST CANCER, FAMILIAL; Hereditary breast cancer; hereditary breast carcinoma. Identifiers: Orphanet 227535, MedGen C0346153, MONDO:0016419, OMIM 114480. Disease mechanism: loss of function.

Submissions (3):

Labcorp Genetics (formerly Invitae), Labcorp
Classification: Likely benign for Familial cancer of breast; Fanconi anemia complementation group J. Last evaluated: 2024-10-21. Review status: criteria provided, single submitter. Criteria: Invitae Variant Classification Sherloc (09022015). Collection method: clinical testing. Allele origin: germline.

Myriad Genetics, Inc.
Classification: Benign for Familial cancer of breast. Last evaluated: 2024-09-10. Review status: criteria provided, single submitter. Criteria: Myriad Autosomal Dominant, Autosomal Recessive and X-Linked Classification Criteria (2023). Collection method: clinical testing. Allele origin: unknown.
Comment: This variant is considered benign. This variant is a silent/synonymous amino acid change and it is not expected to impact splicing.

Ambry Genetics
Classification: Likely benign for Hereditary cancer-predisposing syndrome. Last evaluated: 2017-09-21. Review status: criteria provided, single submitter. Criteria: Ambry Variant Classification Scheme 2023. Collection method: clinical testing. Allele origin: germline.